The following is an entry in ClinVar:

ClinVar aggregate classification (germline): Uncertain significance. Review status: criteria provided, multiple submitters, no conflicts (2 of 4 stars). 2 submissions from 2 submitters: Uncertain significance (2). Last evaluated 2026-05-27.

Conditions:
COL18A1-related disorder. Also called: COL18A1-related disorders; COL18A1-related condition.

Submissions (2):

PreventionGenetics, part of Exact Sciences
Classification: Uncertain significance for COL18A1-related condition. Last evaluated: 2026-05-27. Review status: criteria provided, single submitter. Criteria: ACMG Guidelines, 2015. Collection method: clinical testing. Allele origin: germline.
Comment: The COL18A1 c.4400_4402delACT variant is predicted to result in an in-frame deletion (p.Tyr1467del). To our knowledge, this variant has not been reported in the literature. This variant is present in 0.0065% of alleles in individuals of European (Non-Finnish) descent in gnomAD. At this time, the clinical significance of this variant is uncertain due to the absence of conclusive functional and genetic evidence.

Labcorp Genetics (formerly Invitae), Labcorp
Classification: Uncertain significance. Last evaluated: 2026-01-19. Review status: criteria provided, single submitter. Criteria: Invitae Variant Classification Sherloc (09022015). Collection method: clinical testing. Allele origin: germline.
Comment: This variant, c.3860_3862del, results in the deletion of 1 amino acid(s) of the COL18A1 protein (p.Tyr1287del), but otherwise preserves the integrity of the reading frame. This variant is present in population databases (no rsID available, gnomAD 0.007%). This variant has not been reported in the literature in individuals affected with COL18A1-related conditions. ClinVar contains an entry for this variant (Variation ID: 1420983). Experimental studies and prediction algorithms are not available or were not evaluated, and the functional significance of this variant is currently unknown. In summary, the available evidence is currently insufficient to determine the role of this variant in disease. Therefore, it has been classified as a Variant of Uncertain Significance.

NM_001379500.1(COL18A1):c.3869_3871del (p.Tyr1290del)

Genes: SLC19A1 (solute carrier family 19 member 1; minus strand), COL18A1 (collagen type XVIII alpha 1 chain; plus strand). Cytogenetic location: 21q22.3.
Variant type: Deletion.
Coding change: c.3869_3871del on transcript NM_001379500.1 (MANE Select); coding-DNA positions 3869 to 3871, 3 bases deleted (ACT; older notation c.3869_3871delACT).
Protein change: p.Tyr1290del; deletes tyrosine 1290.
Molecular consequence: inframe deletion.
Genome position (GRCh38, 1-based): chr21:45,512,247-45,512,249, ACT deleted; deleting any 3 consecutive bases within chr21:45,512,245-45,512,249 gives the same sequence; the c. name uses the placement nearest the transcript's 3' end. VCF-style (leftmost placement, unchanged base first): chr21-45512244-GCTA-G. GRCh37 (hg19) VCF-style: chr21-46932158-GCTA-G.
Other names: c.4400_4402del, p.Tyr1467del (NM_030582.4); c.5105_5107del, p.Tyr1702del (NM_130444.3); c.4400_4402delACT (NM_030582.3); short protein forms Y1290del, Y1702del, Y1467del.
Identifiers: ClinVar variation 1420983 (VCV001420983.6), dbSNP rs1201030578, ClinGen allele CA638497174.